The following is an entry in ClinVar:

NM_001145809.2(MYH14):c.3467+1G>A

Gene: MYH14 (myosin heavy chain 14; plus strand). Cytogenetic location: 19q13.33.
Variant type: single nucleotide variant.
Coding change: c.3467+1G>A on transcript NM_001145809.2 (MANE Select); the canonical splice donor site of the intron after coding-DNA position 3467, G replaced by A.
Molecular consequence: splice donor variant.
Genome position (GRCh38, 1-based): chr19:50,272,732, G>A. VCF-style: chr19-50272732-G-A. GRCh37 (hg19) VCF-style: chr19-50775989-G-A.
Other names: c.3368+1G>A (NM_001077186.2); c.3344+1G>A (NM_024729.4).
Identifiers: ClinVar variation 164182 (VCV000164182.4), dbSNP rs727503223, ClinGen allele CA176891.

ClinVar aggregate classification (germline): Uncertain significance (1 of 4 stars; one submission).

Submission:

Laboratory for Molecular Medicine, Mass General Brigham Personalized Medicine
Classification: Uncertain significance. Last evaluated: 2013-11-05. Review status: criteria provided, single submitter. Criteria: LMM Criteria. Collection method: clinical testing. Allele origin: germline. Inheritance: Autosomal dominant inheritance. Observed: 1 variant allele.
Comment: Variant classified as Uncertain Significance - Favor Pathogenic. The 3467+1G>A v ariant in MYH14 has not been reported in individuals with hearing loss or in lar ge population studies. This variant occurs in the invariant region (+/- 1/2) of the splice consensus sequence and is predicted to cause altered splicing leading to an abnormal or absent protein. However, it is not clear if loss of function variants in the MYH14 gene are causative for hearing loss. In summary, this var iant is likely to be pathogenic due to its impact on the protein, though additio nal studies are required to fully establish its clinical significance.